The following is an entry in ClinVar:

ClinVar aggregate classification (germline): Pathogenic/Likely pathogenic. Review status: criteria provided, multiple submitters, no conflicts (2 of 4 stars). 2 submissions from 2 submitters: Pathogenic (1); Likely pathogenic (1). Last evaluated 2024-07-16.

Conditions:
LAMB3-related disorder. Also called: LAMB3-related condition.

Submissions (2):

Blueprint Genetics
Classification: Likely pathogenic for LAMB3-related disorders. Last evaluated: 2024-07-16. Review status: criteria provided, single submitter. Criteria: ACMG Guidelines, 2015. Collection method: clinical testing. Allele origin: germline. Affected: yes. Observed: 3 variant alleles.

Labcorp Genetics (formerly Invitae), Labcorp
Classification: Pathogenic. Last evaluated: 2023-07-22. Review status: criteria provided, single submitter. Criteria: Invitae Variant Classification Sherloc (09022015). Collection method: clinical testing. Allele origin: germline.
Comment: Disruption of this splice site has been observed in individuals with autosomal recessive junctional epidermolysis bullosa (PMID: 27480391). This variant is not present in population databases (gnomAD no frequency). This sequence change affects an acceptor splice site in intron 8 of the LAMB3 gene. It is expected to disrupt RNA splicing. Variants that disrupt the donor or acceptor splice site typically lead to a loss of protein function (PMID: 16199547), and loss-of-function variants in LAMB3 are known to be pathogenic (PMID: 11023379, 16473856). Algorithms developed to predict the effect of sequence changes on RNA splicing suggest that this variant may disrupt the consensus splice site. For these reasons, this variant has been classified as Pathogenic.

Literature cited by the submitters: PubMed 27480391 (cited by Labcorp Genetics (formerly Invitae), Labcorp); PubMed 16199547 (cited by Labcorp Genetics (formerly Invitae), Labcorp); PubMed 11023379 (cited by Labcorp Genetics (formerly Invitae), Labcorp); PubMed 16473856 (cited by Labcorp Genetics (formerly Invitae), Labcorp).

NM_000228.3(LAMB3):c.823-2A>C

Gene: LAMB3 (laminin subunit beta 3; minus strand). Cytogenetic location: 1q32.2.
Variant type: single nucleotide variant.
Coding change: c.823-2A>C on transcript NM_000228.3 (MANE Select); the canonical splice acceptor site of the intron before coding-DNA position 823, A replaced by C.
Molecular consequence: splice acceptor variant.
Genome position (GRCh38, 1-based): chr1:209,630,737, T>G on the plus strand (A>C on the coding strand, the complement: LAMB3 is on the minus strand). VCF-style: chr1-209630737-T-G. GRCh37 (hg19) VCF-style: chr1-209804082-T-G.
Other names: c.823-2A>C (NM_001127641.1, NM_001017402.2).
Identifiers: ClinVar variation 2804318 (VCV002804318.4), dbSNP rs2102430895, ClinGen allele CA344593918.